The following is an entry in ClinVar:

ClinVar aggregate classification (germline): Uncertain significance (1 of 4 stars; one submission).

Conditions:
Hereditary pheochromocytoma and paraganglioma. Also called: Hereditary paragangliomas and pheochromocytomas; Hereditary Paraganglioma-Pheochromocytoma Syndromes; Hereditary pheochromocytoma-paraganglioma. Identifiers: Orphanet 29072, MedGen C4274332, MONDO:0017366.

Submission:

Labcorp Genetics (formerly Invitae), Labcorp
Classification: Uncertain significance for Hereditary pheochromocytoma and paraganglioma. Last evaluated: 2022-03-26. Review status: criteria provided, single submitter. Criteria: Invitae Variant Classification Sherloc (09022015). Collection method: clinical testing. Allele origin: germline.
Comment: In summary, the available evidence is currently insufficient to determine the role of this variant in disease. Therefore, it has been classified as a Variant of Uncertain Significance. This sequence change replaces leucine, which is neutral and non-polar, with glutamine, which is neutral and polar, at codon 113 of the TMEM127 protein (p.Leu113Gln). This variant is not present in population databases (gnomAD no frequency). This variant has not been reported in the literature in individuals affected with TMEM127-related conditions. Algorithms developed to predict the effect of missense changes on protein structure and function (SIFT, PolyPhen-2, Align-GVGD) all suggest that this variant is likely to be disruptive.

NM_017849.4(TMEM127):c.338T>A (p.Leu113Gln)

Gene: TMEM127 (transmembrane protein 127; minus strand). Cytogenetic location: 2q11.2.
Variant type: single nucleotide variant.
Coding change: c.338T>A on transcript NM_017849.4 (MANE Select); coding-DNA position 338, T replaced by A.
Protein change: p.Leu113Gln; replaces leucine 113 with glutamine.
Molecular consequence: missense variant.
Genome position (GRCh38, 1-based): chr2:96,254,904, A>T on the plus strand (T>A on the coding strand, the complement: TMEM127 is on the minus strand). VCF-style: chr2-96254904-A-T. GRCh37 (hg19) VCF-style: chr2-96920642-A-T.
Other names: c.338T>A, p.Leu113Gln (NM_001193304.3); c.86T>A, p.Leu29Gln (NM_001407282.1, NM_001407283.1); short protein forms L113Q, L29Q.
Identifiers: ClinVar variation 1971639 (VCV001971639.5), dbSNP rs2467266342, ClinGen allele CA347653408.